The following is an entry in ClinVar:

ClinVar aggregate classification (germline): Benign. Review status: criteria provided, multiple submitters, no conflicts (2 of 4 stars). 14 submissions from 10 submitters: Benign (12). 2 of the submissions do not count toward it. Last evaluated 2026-02-04.

Conditions:
Asphyxiating thoracic dystrophy 5 (SRTD5). Also called: SHORT-RIB THORACIC DYSPLASIA 5 WITH OR WITHOUT POLYDACTYLY; SHORT-RIB THORACIC DYSPLASIA 5 WITHOUT POLYDACTYLY. Identifiers: Orphanet 474, MedGen C3280598, MONDO:0013717, OMIM 614376.
Senior-Loken syndrome 8 (SLSN8). Identifiers: Orphanet 3156, MedGen C4225376, MONDO:0014579, OMIM 616307.
Cranioectodermal dysplasia 4 (CED4). Identifiers: Orphanet 1515, MedGen C3280616, MONDO:0013719, OMIM 614378.
Nephronophthisis 13 (NPHP13). Identifiers: Orphanet 655, MedGen C3280612, MONDO:0013718, OMIM 614377.

Allele frequency attached by ClinVar (database versions not stated): 1000 Genomes Project 0.25978; 1000 Genomes Project 30x 0.25984; gnomAD exomes 0.28607 and 0.29199; ExAC 0.29347; gnomAD 0.29747 and 0.30055; TOPMed 0.29799; ESP Exome Variant Server 0.30398.
gnomAD v4.1: 441,780 of 1,509,908 alleles (29%); highest among the groups gnomAD compares: Middle Eastern, 31%; 66,124 homozygotes.

Submissions (14):

Labcorp Genetics (formerly Invitae), Labcorp
Classification: Benign for Senior-Loken syndrome 8; Asphyxiating thoracic dystrophy 5. Last evaluated: 2026-02-04. Review status: criteria provided, single submitter. Criteria: Invitae Variant Classification Sherloc (09022015). Collection method: clinical testing. Allele origin: germline.

Blueprint Genetics
Classification: Benign. Last evaluated: 2024-11-27. Review status: criteria provided, single submitter. Criteria: ACMG Guidelines, 2015. Collection method: clinical testing. Allele origin: germline.

Mayo Clinic Laboratories, Mayo Clinic
Classification: Benign. Last evaluated: 2022-03-09. Review status: criteria provided, single submitter. Criteria: ACMG Guidelines, 2015. Collection method: clinical testing. Allele origin: germline. Observed: 88 variant alleles.

Genome-Nilou Lab
Classification: Benign for Cranioectodermal dysplasia 4. Last evaluated: 2021-12-05. Review status: criteria provided, single submitter. Criteria: ACMG Guidelines, 2015. Collection method: clinical testing. Allele origin: germline. Affected: no.

Genome-Nilou Lab
Classification: Benign for Nephronophthisis 13. Last evaluated: 2021-12-05. Review status: criteria provided, single submitter. Criteria: ACMG Guidelines, 2015. Collection method: clinical testing. Allele origin: germline. Affected: no.

Genome-Nilou Lab
Classification: Benign for Senior-Loken syndrome 8. Last evaluated: 2021-12-05. Review status: criteria provided, single submitter. Criteria: ACMG Guidelines, 2015. Collection method: clinical testing. Allele origin: germline. Affected: no.

Genome-Nilou Lab
Classification: Benign for Asphyxiating thoracic dystrophy 5. Last evaluated: 2021-12-05. Review status: criteria provided, single submitter. Criteria: ACMG Guidelines, 2015. Collection method: clinical testing. Allele origin: germline. Affected: no.

GeneDx
Classification: Benign. Last evaluated: 2018-06-23. Review status: criteria provided, single submitter. Criteria: GeneDx Variant Classification Process June 2021. Collection method: clinical testing. Allele origin: germline. Affected: yes.

Illumina Laboratory Services, Illumina
Classification: Benign for Asphyxiating thoracic dystrophy 5. Last evaluated: 2018-01-13. Review status: criteria provided, single submitter. Criteria: ICSL Variant Classification Criteria 13 December 2019. Collection method: clinical testing. Allele origin: germline.
Comment: This variant was observed in the ICSL laboratory as part of a predisposition screen in an ostensibly healthy population. It had not been previously curated by ICSL or reported in the Human Gene Mutation Database (HGMD: prior to June 1st, 2018), and was therefore a candidate for classification through an automated scoring system. Utilizing variant allele frequency, disease prevalence and penetrance estimates, and inheritance mode, an automated score was calculated to assess if this variant is too frequent to cause the disease. Based on the score and internal cut-off values, a variant classified as benign is not then subjected to further curation. The score for this variant resulted in a classification of benign for this disease.

Illumina Laboratory Services, Illumina
Classification: Benign for Cranioectodermal dysplasia 4. Last evaluated: 2018-01-13. Review status: criteria provided, single submitter. Criteria: ICSL Variant Classification Criteria 13 December 2019. Collection method: clinical testing. Allele origin: germline.
Comment: the same text as in the submission from Illumina Laboratory Services, Illumina above.

Breakthrough Genomics
Classification: Benign. Review status: criteria provided, single submitter. Criteria: ACMG Guidelines, 2015. Collection method: not provided. Allele origin: germline. Inheritance: Autosomal recessive inheritance. Affected: yes.

PreventionGenetics, part of Exact Sciences
Classification: Benign. Review status: criteria provided, single submitter. Criteria: ACMG Guidelines, 2015. Collection method: clinical testing. Allele origin: germline.

Diagnostic Laboratory, Department of Genetics, University Medical Center Groningen
Classification: Benign. Review status: no assertion criteria provided. Collection method: clinical testing. Allele origin: germline. Affected: yes. Study: VKGL Data-share Consensus. Not counted in ClinVar's aggregate classification.

Joint Genome Diagnostic Labs from Nijmegen and Maastricht, Radboudumc and MUMC+
Classification: Benign. Review status: no assertion criteria provided. Collection method: clinical testing. Allele origin: germline. Affected: yes. Study: VKGL Data-share Consensus. Not counted in ClinVar's aggregate classification.

NM_025132.4(WDR19):c.891C>T (p.Cys297=)

Gene: WDR19 (WD repeat domain 19; plus strand). Cytogenetic location: 4p14.
Variant type: single nucleotide variant.
Coding change: c.891C>T on transcript NM_025132.4 (MANE Select); coding-DNA position 891, C replaced by T.
Protein change: p.Cys297=; no amino-acid change (cysteine 297 retained).
Molecular consequence: synonymous variant.
Genome position (GRCh38, 1-based): chr4:39,214,601, C>T. VCF-style: chr4-39214601-C-T. GRCh37 (hg19) VCF-style: chr4-39216221-C-T.
Other names: p.Cys297=; c.411C>T, p.Cys137= (NM_001317924.2).
Identifiers: ClinVar variation 261867 (VCV000261867.24), dbSNP rs2167494, ClinGen allele CA2891740.
Genomic context (GRCh38, chr4:39,214,601, plus strand): 5'-TTAAAACAGTTTTATATAAAGATCATATATATTTTTTAATAATGCATTTTTGTTTTTCAG[C>T]ATTAAAATCCAAGACTTGGTTGACTTAAAAGACATGTATGTTATACTCAACCTGGATGAG-3'
Protein context (NP_079408.3, residues 287-307): LNKVATCGDN[Cys297=]IKIQDLVDLK